The following is an entry in ClinVar:

ClinVar aggregate classification (germline): Uncertain significance (1 of 4 stars; one submission).

Conditions:
Hereditary cancer-predisposing syndrome. Also called: Tumor predisposition; Neoplastic Syndromes, Hereditary; Hereditary neoplastic syndrome; Hereditary Cancer Syndrome. Identifiers: Orphanet 140162, MedGen C0027672, MeSH D009386, MONDO:0015356.

Submission:

Ambry Genetics
Classification: Uncertain significance for Hereditary cancer-predisposing syndrome. Last evaluated: 2024-08-07. Review status: criteria provided, single submitter. Criteria: Ambry Variant Classification Scheme 2023. Collection method: clinical testing. Allele origin: germline.
Comment: The p.C391R variant (also known as c.1171T>C), located in coding exon 9 of the STK11 gene, results from a T to C substitution at nucleotide position 1171. The cysteine at codon 391 is replaced by arginine, an amino acid with highly dissimilar properties. This amino acid position is highly conserved in available vertebrate species. In addition, this alteration is predicted to be deleterious by in silico analysis. Based on the available evidence, the clinical significance of this variant remains unclear.

NM_000455.5(STK11):c.1171T>C (p.Cys391Arg)

Gene: STK11 (serine/threonine kinase 11; plus strand). Cytogenetic location: 19p13.3.
Variant type: single nucleotide variant.
Coding change: c.1171T>C on transcript NM_000455.5 (MANE Select); coding-DNA position 1171, T replaced by C.
Protein change: p.Cys391Arg; replaces cysteine 391 with arginine.
Molecular consequence: missense variant. On other transcripts: non-coding transcript variant (1).
Genome position (GRCh38, 1-based): chr19:1,226,516, T>C. VCF-style: chr19-1226516-T-C. GRCh37 (hg19) VCF-style: chr19-1226515-T-C.
Other names: short protein forms C391R.
Identifiers: ClinVar variation 3450549 (VCV003450549.1).